The following is an entry in ClinVar:

NM_014476.6(PDLIM3):c.505A>G (p.Lys169Glu)

Gene: PDLIM3 (PDZ and LIM domain 3; minus strand). Cytogenetic location: 4q35.1.
Variant type: single nucleotide variant.
Coding change: c.505A>G on transcript NM_014476.6 (MANE Select); coding-DNA position 505, A replaced by G.
Protein change: p.Lys169Glu; replaces lysine 169 with glutamic acid.
Molecular consequence: missense variant. On other transcripts: intron variant (3).
Genome position (GRCh38, 1-based): chr4:185,508,456, T>C on the plus strand (A>G on the coding strand, the complement: PDLIM3 is on the minus strand). VCF-style: chr4-185508456-T-C. GRCh37 (hg19) VCF-style: chr4-186429610-T-C.
Other names: c.162-1804A>G (NM_001257963.2); c.399-1804A>G (NM_001257962.2); c.519-1804A>G (NM_001114107.5); short protein forms K169E.
Identifiers: ClinVar variation 2944478 (VCV002944478.3), dbSNP rs2478342569, ClinGen allele CA358924020.

ClinVar aggregate classification (germline): Uncertain significance (1 of 4 stars; one submission).

Conditions:
Primary dilated cardiomyopathy (DCM). Also called: Dilated Cardiomyopathy. Identifiers: Orphanet 217604, MedGen C0007193, MeSH D002311, MONDO:0005021, HP:0001644. Inheritance: Various modes of inheritance.
Hypertrophic cardiomyopathy. Also called: HYPERTROPHIC MYOCARDIOPATHY. Identifiers: Orphanet 217569, MedGen C0007194, MeSH D002312, MONDO:0005045, HP:0001639.

Allele frequency attached by ClinVar (database versions not stated): gnomAD exomes below 0.00001.
gnomAD v4.1: 1 of 1,614,212 alleles (0.000062%); highest among the groups gnomAD compares: South Asian, 0.0011%; no homozygotes.

Submission:

Labcorp Genetics (formerly Invitae), Labcorp
Classification: Uncertain significance for Hypertrophic cardiomyopathy; Primary dilated cardiomyopathy. Last evaluated: 2023-02-18. Review status: criteria provided, single submitter. Criteria: Invitae Variant Classification Sherloc (09022015). Collection method: clinical testing. Allele origin: germline.
Comment: This sequence change replaces lysine, which is basic and polar, with glutamic acid, which is acidic and polar, at codon 169 of the PDLIM3 protein (p.Lys169Glu). This variant is not present in population databases (gnomAD no frequency). This variant has not been reported in the literature in individuals affected with PDLIM3-related conditions. Advanced modeling of protein sequence and biophysical properties (such as structural, functional, and spatial information, amino acid conservation, physicochemical variation, residue mobility, and thermodynamic stability) performed at Invitae indicates that this missense variant is not expected to disrupt PDLIM3 protein function. In summary, the available evidence is currently insufficient to determine the role of this variant in disease. Therefore, it has been classified as a Variant of Uncertain Significance.